The following is an entry in ClinVar:

ClinVar aggregate classification (germline): Uncertain significance (1 of 4 stars; one submission).

Allele frequency attached by ClinVar (database versions not stated): gnomAD exomes 0.00001.
gnomAD v4.1: 10 of 1,614,172 alleles (0.00062%); highest among the groups gnomAD compares: Non-Finnish European, 0.00085%; no homozygotes.

Submission:

Labcorp Genetics (formerly Invitae), Labcorp
Classification: Uncertain significance. Last evaluated: 2022-02-04. Review status: criteria provided, single submitter. Criteria: Invitae Variant Classification Sherloc (09022015). Collection method: clinical testing. Allele origin: germline.
Comment: This sequence change falls in intron 13 of the SLC25A12 gene. It does not directly change the encoded amino acid sequence of the SLC25A12 protein. It affects a nucleotide within the consensus splice site. This variant is not present in population databases (gnomAD no frequency). This variant has not been reported in the literature in individuals affected with SLC25A12-related conditions. ClinVar contains an entry for this variant (Variation ID: 838103). Variants that disrupt the consensus splice site are a relatively common cause of aberrant splicing (PMID: 17576681, 9536098). Algorithms developed to predict the effect of sequence changes on RNA splicing suggest that this variant is not likely to affect RNA splicing. In summary, the available evidence is currently insufficient to determine the role of this variant in disease. Therefore, it has been classified as a Variant of Uncertain Significance.

Literature cited by the submitters: PubMed 17576681; PubMed 9536098.

NM_003705.5(SLC25A12):c.1306-3C>T

Gene: SLC25A12 (solute carrier family 25 member 12; minus strand). Cytogenetic location: 2q31.1.
Variant type: single nucleotide variant.
Coding change: c.1306-3C>T on transcript NM_003705.5 (MANE Select); 3 bases into the intron before coding-DNA position 1306, C replaced by T.
Molecular consequence: intron variant.
Genome position (GRCh38, 1-based): chr2:171,793,770, G>A on the plus strand (C>T on the coding strand, the complement: SLC25A12 is on the minus strand). VCF-style: chr2-171793770-G-A. GRCh37 (hg19) VCF-style: chr2-172650280-G-A.
Identifiers: ClinVar variation 838103 (VCV000838103.7), dbSNP rs1683538108, ClinGen allele CA916082256.